The following is an entry in ClinVar:

NM_004958.4(MTOR):c.1854C>A (p.Ile618=)

Gene: MTOR (mechanistic target of rapamycin kinase; minus strand). Cytogenetic location: 1p36.22.
Variant type: single nucleotide variant.
Coding change: c.1854C>A on transcript NM_004958.4 (MANE Select); coding-DNA position 1854, C replaced by A.
Protein change: p.Ile618=; no amino-acid change (isoleucine 618 retained).
Molecular consequence: synonymous variant.
Genome position (GRCh38, 1-based): chr1:11,238,550, G>T on the plus strand (C>A on the coding strand, the complement: MTOR is on the minus strand). VCF-style: chr1-11238550-G-T. GRCh37 (hg19) VCF-style: chr1-11298607-G-T.
Identifiers: ClinVar variation 696736 (VCV000696736.20), dbSNP rs56364294, ClinGen allele CA590625.

ClinVar aggregate classification (germline): Likely benign. Review status: criteria provided, multiple submitters, no conflicts (2 of 4 stars). 3 submissions from 3 submitters: Likely benign (2). 1 of the submissions does not count toward it. Last evaluated 2025-11-13.

Conditions:
MTOR-related disorder. Also called: MTOR-related condition.

Allele frequency attached by ClinVar (database versions not stated): gnomAD 0.00009 and 0.00010; TOPMed 0.00009; gnomAD exomes 0.00014; ESP Exome Variant Server 0.00015; 1000 Genomes Project 30x 0.00016; ExAC 0.00017; 1000 Genomes Project 0.00020.
gnomAD v4.1: 224 of 1,614,234 alleles (0.014%); highest among the groups gnomAD compares: South Asian, 0.027%; no homozygotes.

Submissions (3):

Labcorp Genetics (formerly Invitae), Labcorp
Classification: Likely benign. Last evaluated: 2025-11-13. Review status: criteria provided, single submitter. Criteria: Invitae Variant Classification Sherloc (09022015). Collection method: clinical testing. Allele origin: germline.

CeGaT Center for Human Genetics Tuebingen
Classification: Likely benign. Last evaluated: 2025-03-01. Review status: criteria provided, single submitter. Criteria: CeGaT Center For Human Genetics Tuebingen Variant Classification Criteria Version 2. Collection method: clinical testing. Allele origin: germline. Affected: yes. Observed: 1 variant allele.
Comment: MTOR: BP4, BS2

PreventionGenetics, part of Exact Sciences
Classification: Likely benign for MTOR-related condition. Last evaluated: 2021-01-27. Review status: no assertion criteria provided. Collection method: clinical testing. Allele origin: germline. Not counted in ClinVar's aggregate classification.
Comment: This variant is classified as likely benign based on ACMG/AMP sequence variant interpretation guidelines (Richards et al. 2015 PMID: 25741868, with internal and published modifications).